The following is an entry in ClinVar:

NM_032119.4(ADGRV1):c.853C>G (p.Arg285Gly)

Gene: ADGRV1 (adhesion G protein-coupled receptor V1; plus strand). Cytogenetic location: 5q14.3.
Variant type: single nucleotide variant.
Coding change: c.853C>G on transcript NM_032119.4 (MANE Select); coding-DNA position 853, C replaced by G.
Protein change: p.Arg285Gly; replaces arginine 285 with glycine.
Molecular consequence: missense variant. On other transcripts: non-coding transcript variant (1).
Genome position (GRCh38, 1-based): chr5:90,627,391, C>G. VCF-style: chr5-90627391-C-G. GRCh37 (hg19) VCF-style: chr5-89923208-C-G.
Other names: short protein forms R285G.
Identifiers: ClinVar variation 178354 (VCV000178354.31), dbSNP rs200197273, ClinGen allele CA182163.

ClinVar aggregate classification (germline): Conflicting classifications of pathogenicity. Review status: criteria provided, conflicting classifications (1 of 4 stars). 10 submissions from 10 submitters: Uncertain significance (5); Likely benign (2). 3 of the submissions do not count toward it. Last evaluated 2026-08-25.

Conditions:
ADGRV1-related disorder. Also called: ADGRV1-related condition; ADGRV1-related disorders.
Retinal dystrophy. Also called: Inherited retinal dystrophy. Identifiers: Orphanet 71862, MedGen C0854723, MeSH D058499, MONDO:0019118, HP:0000556.
Usher syndrome type 2C. Also called: Usher syndrome, type 2B; USHER SYNDROME, TYPE IIC. Identifiers: Orphanet 231178, Orphanet 886, MedGen C2931213, MONDO:0011558, OMIM 605472.

Allele frequency attached by ClinVar (database versions not stated): gnomAD 0.00046; 1000 Genomes Project 30x 0.00078; 1000 Genomes Project 0.00080; TOPMed 0.00037; ESP Exome Variant Server 0.00042.
gnomAD v4.1: 1,064 of 1,613,722 alleles (0.066%); highest among the groups gnomAD compares: Non-Finnish European, 0.083%; 1 homozygote.

Submissions (10):

PreventionGenetics, part of Exact Sciences
Classification: Uncertain significance for ADGRV1-related condition. Last evaluated: 2026-08-25. Review status: criteria provided, single submitter. Criteria: ACMG Guidelines, 2015. Collection method: clinical testing. Allele origin: germline.
Comment: The ADGRV1 c.853C>G variant is predicted to result in the amino acid substitution p.Arg285Gly. This variant was previously reported in the compound heterozygous state in an individual with retinal dystrophy (supplementary data, Hull et al. 2020. PubMed ID: 32856788). However, this variant is reported in 0.078% of alleles in individuals of European (Non-Finnish) descent in gnomAD, which may be too frequent to be a primary cause of disease. Although we suspect that this variant may be benign, at this time, the clinical significance of this variant is uncertain due to the absence of conclusive functional and genetic evidence.

GeneDx
Classification: Uncertain significance. Last evaluated: 2026-02-03. Review status: criteria provided, single submitter. Criteria: GeneDx Variant Classification Process June 2021. Collection method: clinical testing. Allele origin: germline. Affected: yes.
Comment: Reported with a second variant on the opposite allele (in trans) in a patient with childhood-onset retinal dystrophy in published literature (PMID: 32856788); In silico analysis supports that this missense variant has a deleterious effect on protein structure/function; This variant is associated with the following publications: (PMID: 32856788)

Labcorp Genetics (formerly Invitae), Labcorp
Classification: Likely benign. Last evaluated: 2026-01-31. Review status: criteria provided, single submitter. Criteria: Invitae Variant Classification Sherloc (09022015). Collection method: clinical testing. Allele origin: germline.

Blueprint Genetics
Classification: Uncertain significance. Last evaluated: 2024-09-12. Review status: criteria provided, single submitter. Criteria: ACMG Guidelines, 2015. Collection method: clinical testing. Allele origin: germline.

Athena Diagnostics
Classification: Likely benign. Last evaluated: 2023-10-02. Review status: criteria provided, single submitter. Criteria: Athena Diagnostics Criteria. Collection method: clinical testing. Allele origin: unknown.

Laboratory for Molecular Medicine, Mass General Brigham Personalized Medicine
Classification: Uncertain significance. Last evaluated: 2020-06-02. Review status: criteria provided, single submitter. Criteria: LMM Criteria. Collection method: clinical testing. Allele origin: germline. Observed: 2 variant alleles.
Comment: It has also been reported in ClinVar (Variation ID 178354). This variant has also been identified in 0.078% (100/128360) of European chromosomes by gnomAD. Computational prediction tools and conservation analyses suggest that this variant may impact the protein, though this information is not predictive enough to determine pathogenicity. In summary, the clinical significance of this variant is uncertain. ACMG/AMP Criteria applied: BS1_Supporting, PP3.

Illumina Laboratory Services, Illumina
Classification: Uncertain significance for Usher syndrome type 2C. Last evaluated: 2018-01-13. Review status: criteria provided, single submitter. Criteria: ICSL Variant Classification Criteria 13 December 2019. Collection method: clinical testing. Allele origin: germline.

Institute of Human Genetics, Univ. Regensburg, Univ. Regensburg
Classification: Uncertain significance for Retinal dystrophy. Last evaluated: 2022-01-01. Review status: no assertion criteria provided. Criteria: ACMG Guidelines, 2015. Collection method: clinical testing. Allele origin: germline. Affected: yes. Not counted in ClinVar's aggregate classification.

Clinical Genetics DNA and cytogenetics Diagnostics Lab, Erasmus MC, Erasmus Medical Center
Classification: Uncertain significance. Review status: no assertion criteria provided. Collection method: clinical testing. Allele origin: germline. Affected: yes. Study: VKGL Data-share Consensus. Not counted in ClinVar's aggregate classification.

Joint Genome Diagnostic Labs from Nijmegen and Maastricht, Radboudumc and MUMC+
Classification: Uncertain significance. Review status: no assertion criteria provided. Collection method: clinical testing. Allele origin: germline. Affected: yes. Study: VKGL Data-share Consensus. Not counted in ClinVar's aggregate classification.

Literature cited by the submitters: PubMed 32856788 (cited by Athena Diagnostics).